The following is an entry in ClinVar:

NM_000136.3(FANCC):c.1450C>A (p.Gln484Lys)

Genes: AOPEP (aminopeptidase O (putative); plus strand), FANCC (FA complementation group C; minus strand). Cytogenetic location: 9q22.32.
Variant type: single nucleotide variant.
Coding change: c.1450C>A on transcript NM_000136.3 (MANE Select); coding-DNA position 1450, C replaced by A.
Protein change: p.Gln484Lys; replaces glutamine 484 with lysine.
Molecular consequence: missense variant.
Genome position (GRCh38, 1-based): chr9:95,107,149, G>T on the plus strand (C>A on the coding strand, the complement: FANCC is on the minus strand). VCF-style: chr9-95107149-G-T. GRCh37 (hg19) VCF-style: chr9-97869431-G-T.
Other names: c.1450C>A, p.Gln484Lys (NM_001243743.2); short protein forms Q484K.
Identifiers: ClinVar variation 1414702 (VCV001414702.8), dbSNP rs764271678, ClinGen allele CA5137330.

ClinVar aggregate classification (germline): Uncertain significance (1 of 4 stars; one submission).

Conditions:
Fanconi anemia (FA). Also called: Fanconi's anemia. Identifiers: Orphanet 84, MedGen C0015625, MeSH D005199, MONDO:0019391.

Allele frequency attached by ClinVar (database versions not stated): gnomAD exomes below 0.00001; ExAC 0.00001.
gnomAD v4.1: 1 of 1,614,236 alleles (0.000062%); highest among the groups gnomAD compares: Admixed American, 0.0017%; no homozygotes.

Submission:

Labcorp Genetics (formerly Invitae), Labcorp
Classification: Uncertain significance for Fanconi anemia. Last evaluated: 2022-01-26. Review status: criteria provided, single submitter. Criteria: Invitae Variant Classification Sherloc (09022015). Collection method: clinical testing. Allele origin: germline.
Comment: This sequence change replaces glutamine, which is neutral and polar, with lysine, which is basic and polar, at codon 484 of the FANCC protein (p.Gln484Lys). This variant is present in population databases (rs764271678, gnomAD 0.003%). In summary, the available evidence is currently insufficient to determine the role of this variant in disease. Therefore, it has been classified as a Variant of Uncertain Significance. Algorithms developed to predict the effect of missense changes on protein structure and function output the following: SIFT: "Tolerated"; PolyPhen-2: "Benign"; Align-GVGD: "Class C0". The lysine amino acid residue is found in multiple mammalian species, which suggests that this missense change does not adversely affect protein function. This variant has not been reported in the literature in individuals affected with FANCC-related conditions.